The following is an entry in ClinVar:

ClinVar aggregate classification (germline): Uncertain significance. Review status: criteria provided, multiple submitters, no conflicts (2 of 4 stars). 2 submissions from 2 submitters: Uncertain significance (2). Last evaluated 2025-02-25.

Submissions (2):

Revvity Omics, Revvity
Classification: Uncertain significance. Last evaluated: 2025-02-25. Review status: criteria provided, single submitter. Criteria: ACMG Guidelines, 2015. Collection method: clinical testing. Allele origin: germline.

GeneDx
Classification: Uncertain significance. Last evaluated: 2024-04-09. Review status: criteria provided, single submitter. Criteria: GeneDx Variant Classification Process June 2021. Collection method: clinical testing. Allele origin: germline. Affected: yes.
Comment: Not observed at significant frequency in large population cohorts (gnomAD); In silico analysis supports that this missense variant has a deleterious effect on protein structure/function; Has not been previously published as pathogenic or benign to our knowledge

NM_001161352.2(KCNMA1):c.1595C>T (p.Ala532Val)

Gene: KCNMA1 (potassium calcium-activated channel subfamily M alpha 1; minus strand). Cytogenetic location: 10q22.3.
Variant type: single nucleotide variant.
Coding change: c.1595C>T on transcript NM_001161352.2 (MANE Select); coding-DNA position 1595, C replaced by T.
Protein change: p.Ala532Val; replaces alanine 532 with valine.
Molecular consequence: missense variant.
Genome position (GRCh38, 1-based): chr10:77,073,251, G>A on the plus strand (C>T on the coding strand, the complement: KCNMA1 is on the minus strand). VCF-style: chr10-77073251-G-A. GRCh37 (hg19) VCF-style: chr10-78833009-G-A.
Other names: c.1595C>T, p.Ala532Val (NM_001014797.3, NM_001161353.2, NM_001271519.2 and 8 more transcripts); c.1433C>T, p.Ala478Val (NM_001271518.2); c.1055C>T, p.Ala352Val (NM_001322838.2); short protein forms A352V, A478V, A532V.
Identifiers: ClinVar variation 2433005 (VCV002433005.4), dbSNP rs2550660424, ClinGen allele CA377405016.
Genomic context (GRCh38, chr10:77,073,251, plus strand): 5'-GCGAGGCAGATTGCGTCATCACCTTCTTTCCAATTCCAGCTCGGGATGTTTAGCAGATGG[G>A]CCTGGGGAAAGAAAAGCAGGTATGAGACCTTGCTCTGTTAAATGTTCAATTGTTTAACAT-3'
Protein context (NP_001154824.1, residues 522-542): ITQMLQYHNK[Ala532Val]HLLNIPSWNW